The following is an entry in ClinVar:

NM_001197104.2(KMT2A):c.5351A>G (p.Lys1784Arg)

Gene: KMT2A (lysine methyltransferase 2A; plus strand). Cytogenetic location: 11q23.3.
Variant type: single nucleotide variant.
Coding change: c.5351A>G on transcript NM_001197104.2 (MANE Select); coding-DNA position 5351, A replaced by G.
Protein change: p.Lys1784Arg; replaces lysine 1784 with arginine.
Molecular consequence: missense variant.
Genome position (GRCh38, 1-based): chr11:118,494,755, A>G. VCF-style: chr11-118494755-A-G. GRCh37 (hg19) VCF-style: chr11-118365470-A-G.
Other names: c.5342A>G, p.Lys1781Arg (NM_005933.4); short protein forms K1784R, K1781R.
Identifiers: ClinVar variation 424062 (VCV000424062.2), dbSNP rs1064796776, ClinGen allele CA16619280.

ClinVar aggregate classification (germline): Likely pathogenic (1 of 4 stars; one submission).

Allele frequency attached by ClinVar (database versions not stated): gnomAD exomes below 0.00001.
gnomAD v4.1: 2 of 1,613,616 alleles (0.00012%); highest among the groups gnomAD compares: East Asian, 0.0045%; no homozygotes.

Submission:

GeneDx
Classification: Likely pathogenic. Last evaluated: 2017-03-14. Review status: criteria provided, single submitter. Criteria: GeneDx Variant Classification (06012015). Collection method: clinical testing. Allele origin: germline. Affected: yes.
Comment: The K1784R variant in the KMT2A gene has not been reported previously as a pathogenic variant, nor as a benign variant, to our knowledge. The K1784R variant is not observed in large population cohorts (Lek et al., 2016; 1000 Genomes Consortium et al., 2015; Exome Variant Server). The K1784R variant is a conservative amino acid substitution, which is not likely to impact secondary protein structure as these residues share similar properties. This substitution occurs at a position that is conserved across species. In silico analysis is inconsistent in its predictions as to whether or not the variant is damaging to the protein structure/function. The K1784R variant is a strong candidate for a pathogenic variant, however the possibility it may be a rare benign variant cannot be excluded.